The following is an entry in ClinVar:

ClinVar aggregate classification (germline): Uncertain significance (1 of 4 stars; one submission).

Conditions:
Inborn genetic diseases. Identifiers: MedGen C0950123, MeSH D030342.

Submission:

Ambry Genetics
Classification: Uncertain significance for Inborn genetic diseases. Last evaluated: 2024-04-17. Review status: criteria provided, single submitter. Criteria: Ambry Variant Classification Scheme 2023. Collection method: clinical testing. Allele origin: germline.
Comment: The p.N307S variant (also known as c.920A>G), located in coding exon 10 of the ERCC2 gene, results from an A to G substitution at nucleotide position 920. The asparagine at codon 307 is replaced by serine, an amino acid with highly similar properties. This amino acid position is conserved. In addition, this alteration is predicted to be tolerated by in silico analysis. Based on the available evidence, the clinical significance of this variant remains unclear.

NM_000400.4(ERCC2):c.920A>G (p.Asn307Ser)

Gene: ERCC2 (ERCC excision repair 2, TFIIH core complex helicase subunit; minus strand). Cytogenetic location: 19q13.32.
Variant type: single nucleotide variant.
Coding change: c.920A>G on transcript NM_000400.4 (MANE Select); coding-DNA position 920, A replaced by G.
Protein change: p.Asn307Ser; replaces asparagine 307 with serine.
Molecular consequence: missense variant.
Genome position (GRCh38, 1-based): chr19:45,364,015, T>C on the plus strand (A>G on the coding strand, the complement: ERCC2 is on the minus strand). VCF-style: chr19-45364015-T-C. GRCh37 (hg19) VCF-style: chr19-45867273-T-C.
Other names: c.848A>G, p.Asn283Ser (NM_001130867.2); short protein forms N283S, N307S.
Identifiers: ClinVar variation 3276260 (VCV003276260.1).